The following is an entry in ClinVar:

ClinVar aggregate classification (germline): Uncertain significance. Review status: criteria provided, multiple submitters, no conflicts (2 of 4 stars). 2 submissions from 2 submitters: Uncertain significance (2). Last evaluated 2024-04-17.

Allele frequency attached by ClinVar (database versions not stated): TOPMed below 0.00001; gnomAD exomes 0.00002.
gnomAD v4.1: 33 of 1,613,922 alleles (0.002%); highest among the groups gnomAD compares: Admixed American, 0.0033%; no homozygotes.

Submissions (2):

Labcorp Genetics (formerly Invitae), Labcorp
Classification: Uncertain significance. Last evaluated: 2024-04-17. Review status: criteria provided, single submitter. Criteria: Invitae Variant Classification Sherloc (09022015). Collection method: clinical testing. Allele origin: germline.
Comment: This sequence change replaces phenylalanine, which is neutral and non-polar, with leucine, which is neutral and non-polar, at codon 288 of the RTN4IP1 protein (p.Phe288Leu). This variant is not present in population databases (gnomAD no frequency). This variant has not been reported in the literature in individuals affected with RTN4IP1-related conditions. ClinVar contains an entry for this variant (Variation ID: 1007937). Advanced modeling of protein sequence and biophysical properties (such as structural, functional, and spatial information, amino acid conservation, physicochemical variation, residue mobility, and thermodynamic stability) performed at Invitae indicates that this missense variant is not expected to disrupt RTN4IP1 protein function with a negative predictive value of 80%. In summary, the available evidence is currently insufficient to determine the role of this variant in disease. Therefore, it has been classified as a Variant of Uncertain Significance.

Blueprint Genetics
Classification: Uncertain significance. Last evaluated: 2019-04-16. Review status: criteria provided, single submitter. Criteria: ACMG Guidelines, 2015. Collection method: clinical testing. Allele origin: germline.

NM_032730.5(RTN4IP1):c.862T>C (p.Phe288Leu)

Gene: RTN4IP1 (reticulon 4 interacting protein 1; minus strand). Cytogenetic location: 6q21.
Variant type: single nucleotide variant.
Coding change: c.862T>C on transcript NM_032730.5 (MANE Select); coding-DNA position 862, T replaced by C.
Protein change: p.Phe288Leu; replaces phenylalanine 288 with leucine.
Molecular consequence: missense variant.
Genome position (GRCh38, 1-based): chr6:106,587,807, A>G on the plus strand (T>C on the coding strand, the complement: RTN4IP1 is on the minus strand). VCF-style: chr6-106587807-A-G. GRCh37 (hg19) VCF-style: chr6-107035682-A-G.
Other names: c.562T>C, p.Phe188Leu (NM_001318746.1); short protein forms F188L, F288L.
Identifiers: ClinVar variation 1007937 (VCV001007937.9), dbSNP rs758815267, ClinGen allele CA144971588.